The following is an entry in ClinVar:

ClinVar aggregate classification (germline): Uncertain significance. Review status: criteria provided, multiple submitters, no conflicts (2 of 4 stars). 3 submissions from 3 submitters: Uncertain significance (3). Last evaluated 2025-08-12.

Allele frequency attached by ClinVar (database versions not stated): gnomAD 0.00001; ExAC 0.00002; gnomAD exomes 0.00002; TOPMed 0.00002.

Submissions (3):

Ambry Genetics
Classification: Uncertain significance. Last evaluated: 2025-08-12. Review status: criteria provided, single submitter. Criteria: Ambry Variant Classification Scheme 2023. Collection method: clinical testing. Allele origin: germline.

Labcorp Genetics (formerly Invitae), Labcorp
Classification: Uncertain significance. Last evaluated: 2025-08-01. Review status: criteria provided, single submitter. Criteria: Invitae Variant Classification Sherloc (09022015). Collection method: clinical testing. Allele origin: germline.
Comment: This sequence change replaces proline, which is neutral and non-polar, with threonine, which is neutral and polar, at codon 79 of the MS4A1 protein (p.Pro79Thr). This variant is present in population databases (rs199747240, gnomAD 0.005%). This variant has not been reported in the literature in individuals affected with MS4A1-related conditions. ClinVar contains an entry for this variant (Variation ID: 1439698). An algorithm developed to predict the effect of missense changes on protein structure and function (PolyPhen-2) suggests that this variant is likely to be disruptive. In summary, the available evidence is currently insufficient to determine the role of this variant in disease. Therefore, it has been classified as a Variant of Uncertain Significance.

Blueprint Genetics
Classification: Uncertain significance. Last evaluated: 2024-03-12. Review status: criteria provided, single submitter. Criteria: ACMG Guidelines, 2015. Collection method: clinical testing. Allele origin: germline.

NM_152866.3(MS4A1):c.235C>A (p.Pro79Thr)

Gene: MS4A1 (membrane spanning 4-domains A1; plus strand). Cytogenetic location: 11q12.2.
Variant type: single nucleotide variant.
Coding change: c.235C>A on transcript NM_152866.3 (MANE Select); coding-DNA position 235, C replaced by A.
Protein change: p.Pro79Thr; replaces proline 79 with threonine.
Molecular consequence: missense variant.
Genome position (GRCh38, 1-based): chr11:60,463,077, C>A. VCF-style: chr11-60463077-C-A. GRCh37 (hg19) VCF-style: chr11-60230550-C-A.
Other names: c.235C>A (NM_152866.2); c.235C>A, p.Pro79Thr (NM_021950.4, NM_152867.2); short protein forms P79T.
Identifiers: ClinVar variation 1439698 (VCV001439698.11), dbSNP rs199747240, ClinGen allele CA6024906.